The following is an entry in ClinVar:

ClinVar aggregate classification (germline): Uncertain significance. Review status: criteria provided, multiple submitters, no conflicts (2 of 4 stars). 2 submissions from 2 submitters: Uncertain significance (2). Last evaluated 2025-02-15.

Conditions:
Fanconi anemia (FA). Also called: Fanconi's anemia. Identifiers: Orphanet 84, MedGen C0015625, MeSH D005199, MONDO:0019391.
Inborn genetic diseases. Identifiers: MedGen C0950123, MeSH D030342.

Submissions (2):

Ambry Genetics
Classification: Uncertain significance for Inborn genetic diseases. Last evaluated: 2025-02-15. Review status: criteria provided, single submitter. Criteria: Ambry Variant Classification Scheme 2023. Collection method: clinical testing. Allele origin: germline.
Comment: The p.A85G variant (also known as c.254C>G), located in coding exon 3 of the FANCA gene, results from a C to G substitution at nucleotide position 254. The alanine at codon 85 is replaced by glycine, an amino acid with similar properties. This amino acid position is conserved. In addition, this alteration is predicted to be tolerated by in silico analysis. Based on the available evidence, the clinical significance of this variant remains unclear.

Labcorp Genetics (formerly Invitae), Labcorp
Classification: Uncertain significance for Fanconi anemia. Last evaluated: 2022-08-21. Review status: criteria provided, single submitter. Criteria: Invitae Variant Classification Sherloc (09022015). Collection method: clinical testing. Allele origin: germline.
Comment: This sequence change replaces alanine, which is neutral and non-polar, with glycine, which is neutral and non-polar, at codon 85 of the FANCA protein (p.Ala85Gly). This variant is not present in population databases (gnomAD no frequency). This variant has not been reported in the literature in individuals affected with FANCA-related conditions. Advanced modeling of protein sequence and biophysical properties (such as structural, functional, and spatial information, amino acid conservation, physicochemical variation, residue mobility, and thermodynamic stability) performed at Invitae indicates that this missense variant is not expected to disrupt FANCA protein function. In summary, the available evidence is currently insufficient to determine the role of this variant in disease. Therefore, it has been classified as a Variant of Uncertain Significance.

NM_000135.4(FANCA):c.254C>G (p.Ala85Gly)

Gene: FANCA (FA complementation group A; minus strand). Cytogenetic location: 16q24.3.
Variant type: single nucleotide variant.
Coding change: c.254C>G on transcript NM_000135.4 (MANE Select); coding-DNA position 254, C replaced by G.
Protein change: p.Ala85Gly; replaces alanine 85 with glycine.
Molecular consequence: missense variant.
Genome position (GRCh38, 1-based): chr16:89,814,549, G>C on the plus strand (C>G on the coding strand, the complement: FANCA is on the minus strand). VCF-style: chr16-89814549-G-C. GRCh37 (hg19) VCF-style: chr16-89880957-G-C.
Other names: c.254C>G, p.Ala85Gly (NM_001018112.3, NM_001286167.3, NM_001351830.2); short protein forms A85G.
Identifiers: ClinVar variation 1926640 (VCV001926640.3), dbSNP rs2041025401, ClinGen allele CA397482476.
Genomic context (GRCh38, chr16:89,814,549, plus strand): 5'-TCAAAATAGAGAAAATGAAGCTATAACTTACCTATAAATGAACTAGAATGATTAGCATAG[G>C]CCTCAGAACTGTCACAGTCAATCACTTTGCTGAGAGACAATTTTTTACACAGTGGACCTT-3'
Protein context (NP_000126.2, residues 75-95): SKVIDCDSSE[Ala85Gly]YANHSSSFIG